The following is an entry in ClinVar:

NM_007192.4(SUPT16H):c.3057G>A (p.Lys1019=)

Genes: SUPT16H (SPT16 homolog, facilitates chromatin remodeling subunit; minus strand), LOC126861887 (BRD4-independent group 4 enhancer GRCh37_chr14:21820143-21821342; plus strand). Cytogenetic location: 14q11.2.
Variant type: single nucleotide variant.
Coding change: c.3057G>A on transcript NM_007192.4 (MANE Select); coding-DNA position 3057, G replaced by A.
Protein change: p.Lys1019=; no amino-acid change (lysine 1019 retained).
Molecular consequence: synonymous variant.
Genome position (GRCh38, 1-based): chr14:21,352,760, C>T on the plus strand (G>A on the coding strand, the complement: SUPT16H is on the minus strand). VCF-style: chr14-21352760-C-T. GRCh37 (hg19) VCF-style: chr14-21820919-C-T.
Identifiers: ClinVar variation 3904926 (VCV003904926.10).

ClinVar aggregate classification (germline): Likely benign (1 of 4 stars; one submission).

gnomAD v4.1: 4 of 1,614,098 alleles (0.00025%); highest among the groups gnomAD compares: Middle Eastern, 0.066%; no homozygotes.

Submission:

CeGaT Center for Human Genetics Tuebingen
Classification: Likely benign. Last evaluated: 2025-05-01. Review status: criteria provided, single submitter. Criteria: CeGaT Center For Human Genetics Tuebingen Variant Classification Criteria Version 2. Collection method: clinical testing. Allele origin: germline. Affected: yes. Observed: 1 variant allele.
Comment: SUPT16H: BP4, BP7